The following is an entry in ClinVar:

NM_024996.7(GFM1):c.1544C>T (p.Pro515Leu)

Gene: GFM1 (G elongation factor mitochondrial 1; plus strand). Cytogenetic location: 3q25.32.
Variant type: single nucleotide variant.
Coding change: c.1544C>T on transcript NM_024996.7 (MANE Select); coding-DNA position 1544, C replaced by T.
Protein change: p.Pro515Leu; replaces proline 515 with leucine.
Molecular consequence: missense variant. On other transcripts: non-coding transcript variant (4).
Genome position (GRCh38, 1-based): chr3:158,666,329, C>T. VCF-style: chr3-158666329-C-T. GRCh37 (hg19) VCF-style: chr3-158384118-C-T.
Other names: c.1601C>T, p.Pro534Leu (NM_001308164.2); c.1544C>T, p.Pro515Leu (NM_001308166.2); c.1463C>T, p.Pro488Leu (NM_001374355.1); c.1427C>T, p.Pro476Leu (NM_001374356.1); c.1319C>T, p.Pro440Leu (NM_001374357.1); c.1085C>T, p.Pro362Leu (NM_001374358.1); c.977C>T, p.Pro326Leu (NM_001374359.1, NM_001374360.1); c.860C>T, p.Pro287Leu (NM_001374361.1); and 1 more; short protein forms P362L, P515L, P476L, P488L, P287L, P326L, P440L, P534L.
Identifiers: ClinVar variation 1515463 (VCV001515463.9), dbSNP rs752809047, ClinGen allele CA2682699.

ClinVar aggregate classification (germline): Uncertain significance. Review status: criteria provided, multiple submitters, no conflicts (2 of 4 stars). 2 submissions from 2 submitters: Uncertain significance (2). Last evaluated 2025-12-08.

Conditions:
Inborn genetic diseases. Identifiers: MedGen C0950123, MeSH D030342.

Allele frequency attached by ClinVar (database versions not stated): ExAC 0.00002; gnomAD exomes 0.00002; TOPMed 0.00002; gnomAD 0.00004.
gnomAD v4.1: 45 of 1,613,202 alleles (0.0028%); highest among the groups gnomAD compares: Admixed American, 0.0033%; no homozygotes.

Submissions (2):

Ambry Genetics
Classification: Uncertain significance for Inborn genetic diseases. Last evaluated: 2025-12-08. Review status: criteria provided, single submitter. Criteria: Ambry Variant Classification Scheme 2023. Collection method: clinical testing. Allele origin: germline.

Labcorp Genetics (formerly Invitae), Labcorp
Classification: Uncertain significance. Last evaluated: 2025-03-31. Review status: criteria provided, single submitter. Criteria: Invitae Variant Classification Sherloc (09022015). Collection method: clinical testing. Allele origin: germline.
Comment: This sequence change replaces proline, which is neutral and non-polar, with leucine, which is neutral and non-polar, at codon 515 of the GFM1 protein (p.Pro515Leu). This variant is present in population databases (rs752809047, gnomAD 0.006%). This variant has not been reported in the literature in individuals affected with GFM1-related conditions. ClinVar contains an entry for this variant (Variation ID: 1515463). Invitae Evidence Modeling of protein sequence and biophysical properties (such as structural, functional, and spatial information, amino acid conservation, physicochemical variation, residue mobility, and thermodynamic stability) has been performed for this missense variant. However, the output from this modeling did not meet the statistical confidence thresholds required to predict the impact of this variant on GFM1 protein function. In summary, the available evidence is currently insufficient to determine the role of this variant in disease. Therefore, it has been classified as a Variant of Uncertain Significance.